The following is an entry in ClinVar:

ClinVar aggregate classification (germline): Uncertain significance (1 of 4 stars; one submission).

Conditions:
PCNT-related disorder. Also called: PCNT-related condition.

gnomAD v4.1: 32 of 1,613,976 alleles (0.002%); highest among the groups gnomAD compares: Non-Finnish European, 0.0025%; no homozygotes.

Submission:

PreventionGenetics, part of Exact Sciences
Classification: Uncertain significance for PCNT-related condition. Last evaluated: 2025-04-24. Review status: criteria provided, single submitter. Criteria: ACMG Guidelines, 2015. Collection method: clinical testing. Allele origin: germline.
Comment: The PCNT c.3070G>A variant is predicted to result in the amino acid substitution p.Glu1024Lys. To our knowledge, this variant has not been reported in the literature. This variant is reported in 0.0062% of alleles in individuals of African descent in gnomAD. At this time, the clinical significance of this variant is uncertain due to the absence of conclusive functional and genetic evidence.

NM_006031.6(PCNT):c.3070G>A (p.Glu1024Lys)

Gene: PCNT (pericentrin; plus strand). Cytogenetic location: 21q22.3.
Variant type: single nucleotide variant.
Coding change: c.3070G>A on transcript NM_006031.6 (MANE Select); coding-DNA position 3070, G replaced by A.
Protein change: p.Glu1024Lys; replaces glutamic acid 1024 with lysine.
Molecular consequence: missense variant.
Genome position (GRCh38, 1-based): chr21:46,367,044, G>A. VCF-style: chr21-46367044-G-A. GRCh37 (hg19) VCF-style: chr21-47786959-G-A.
Other names: c.2716G>A, p.Glu906Lys (NM_001315529.2); short protein forms E1024K, E906K.
Identifiers: ClinVar variation 3352470 (VCV003352470.2).